The following is an entry in ClinVar:

ClinVar aggregate classification (germline): Uncertain significance. Review status: criteria provided, multiple submitters, no conflicts (2 of 4 stars). 2 submissions from 2 submitters: Uncertain significance (2). Last evaluated 2024-04-18.

Conditions:
Inborn genetic diseases. Identifiers: MedGen C0950123, MeSH D030342.

Allele frequency attached by ClinVar (database versions not stated): gnomAD exomes below 0.00001.
gnomAD v4.1: 1 of 1,614,140 alleles (0.000062%); highest among the groups gnomAD compares: East Asian, 0.0022%; no homozygotes.

Submissions (2):

Ambry Genetics
Classification: Uncertain significance for Inborn genetic diseases. Last evaluated: 2024-04-18. Review status: criteria provided, single submitter. Criteria: Ambry Variant Classification Scheme 2023. Collection method: clinical testing. Allele origin: germline.

GeneDx
Classification: Uncertain significance. Last evaluated: 2017-10-26. Review status: criteria provided, single submitter. Criteria: GeneDx Variant Classification (06012015). Collection method: clinical testing. Allele origin: germline. Affected: yes.
Comment: A variant of uncertain significance has been identified in the SCN2A gene. The K1084R variant has not been published as a pathogenic variant, nor has it been reported as a benign variant to our knowledge. The K1084R variant is not observed at a significant frequency in large population cohorts (Lek et al., 2016). The K1084R variant is a conservative amino acid substitution, which is not likely to impact secondary protein structure as these residues share similar properties. However, this substitution alters a conserved position predicted to be in the cytoplasmic loop between the second and third homologous domains. In silico analysis is inconsistent in its predictions as to whether or not the variant is damaging to the protein structure/function. Therefore, based on the currently available information, it is unclear whether this variant is a pathogenic variant or a rare benign variant.

NM_001040142.2(SCN2A):c.3251A>G (p.Lys1084Arg)

Gene: SCN2A (sodium voltage-gated channel alpha subunit 2; plus strand). Cytogenetic location: 2q24.3.
Variant type: single nucleotide variant.
Coding change: c.3251A>G on transcript NM_001040142.2 (MANE Select); coding-DNA position 3251, A replaced by G.
Protein change: p.Lys1084Arg; replaces lysine 1084 with arginine.
Molecular consequence: missense variant.
Genome position (GRCh38, 1-based): chr2:165,354,523, A>G. VCF-style: chr2-165354523-A-G. GRCh37 (hg19) VCF-style: chr2-166211033-A-G.
Other names: c.3251A>G, p.Lys1084Arg (NM_001040143.2, NM_001371246.1, NM_001371247.1 and 1 more transcripts); short protein forms K1084R.
Identifiers: ClinVar variation 449161 (VCV000449161.3), dbSNP rs1445312692, ClinGen allele CA349021516.